The following is an entry in ClinVar:

NM_000784.4(CYP27A1):c.825G>A (p.Trp275Ter)

Gene: CYP27A1 (cytochrome P450 family 27 subfamily A member 1; plus strand). Cytogenetic location: 2q35.
Variant type: single nucleotide variant.
Coding change: c.825G>A on transcript NM_000784.4 (MANE Select); coding-DNA position 825, G replaced by A.
Protein change: p.Trp275Ter; replaces tryptophan 275 with a stop codon.
Molecular consequence: nonsense.
Genome position (GRCh38, 1-based): chr2:218,812,730, G>A. VCF-style: chr2-218812730-G-A. GRCh37 (hg19) VCF-style: chr2-219677453-G-A.
Other names: c.825G>A (NM_000784.3); short protein forms W275*.
Identifiers: ClinVar variation 1944969 (VCV001944969.7), dbSNP rs1425208118, ClinGen allele CA350587610.

ClinVar aggregate classification (germline): Pathogenic/Likely pathogenic. Review status: criteria provided, multiple submitters, no conflicts (2 of 4 stars). 3 submissions from 3 submitters: Pathogenic (1); Likely pathogenic (2). Last evaluated 2025-09-23.

Conditions:
CYP27A1-related disorder. Also called: CYP27A1-related condition.
Cholestanol storage disease (CTX). Also called: Cerebrotendinous Xanthomatosis; CEREBRAL CHOLESTERINOSIS; CTX: Cerebrotendinous xanthomatosis. Identifiers: Orphanet 909, MedGen C0238052, MONDO:0008948, OMIM 213700.

Allele frequency attached by ClinVar (database versions not stated): gnomAD exomes below 0.00001.
gnomAD v4.1: 3 of 1,614,230 alleles (0.00019%); highest among the groups gnomAD compares: Non-Finnish European, 0.00025%; no homozygotes.

Submissions (3):

PreventionGenetics, part of Exact Sciences
Classification: Likely pathogenic for CYP27A1-related condition. Last evaluated: 2025-09-23. Review status: criteria provided, single submitter. Criteria: ACMG Guidelines, 2015. Collection method: clinical testing. Allele origin: germline.
Comment: The CYP27A1 c.825G>A variant is predicted to result in premature protein termination (p.Trp275*). To our knowledge, this variant has not been reported in the literature. This variant is reported in 0.00088% of alleles in individuals of European (Non-Finnish) descent in gnomAD. Nonsense variants in CYP27A1 are expected to be pathogenic. This variant is interpreted as likely pathogenic.

Baylor Genetics
Classification: Likely pathogenic for Cholestanol storage disease. Last evaluated: 2023-04-02. Review status: criteria provided, single submitter. Criteria: ACMG Guidelines, 2015. Collection method: clinical testing. Allele origin: unknown.

Labcorp Genetics (formerly Invitae), Labcorp
Classification: Pathogenic for Cholestanol storage disease. Last evaluated: 2022-09-30. Review status: criteria provided, single submitter. Criteria: Invitae Variant Classification Sherloc (09022015). Collection method: clinical testing. Allele origin: germline.
Comment: This variant has not been reported in the literature in individuals affected with CYP27A1-related conditions. For these reasons, this variant has been classified as Pathogenic. This variant is present in population databases (no rsID available, gnomAD 0.0009%). This sequence change creates a premature translational stop signal (p.Trp275*) in the CYP27A1 gene. It is expected to result in an absent or disrupted protein product. Loss-of-function variants in CYP27A1 are known to be pathogenic (PMID: 9392430, 10775536, 26937392).

Literature cited by the submitters: PubMed 9392430 (cited by Labcorp Genetics (formerly Invitae), Labcorp); PubMed 10775536 (cited by Labcorp Genetics (formerly Invitae), Labcorp); PubMed 26937392 (cited by Labcorp Genetics (formerly Invitae), Labcorp).